The following is an entry in ClinVar:

ClinVar aggregate classification (germline): Uncertain significance. Review status: criteria provided, multiple submitters, no conflicts (2 of 4 stars). 4 submissions from 4 submitters: Uncertain significance (4). Last evaluated 2026-03-05.

Conditions:
ACAD8-related disorder. Also called: ACAD8-related condition.
Deficiency of isobutyryl-CoA dehydrogenase. Also called: ACYL-CoA DEHYDROGENASE FAMILY, MEMBER 8, DEFICIENCY OF; ACAD8 DEFICIENCY; IBD DEFICIENCY. Identifiers: Orphanet 79159, MedGen C1969809, MONDO:0012648, OMIM 611283.

Allele frequency attached by ClinVar (database versions not stated): ExAC 0.00008; gnomAD 0.00008 and 0.00009; 1000 Genomes Project 30x 0.00016; 1000 Genomes Project 0.00020; TOPMed 0.00024; gnomAD exomes 0.00013 and 0.00004.
gnomAD v4.1: 75 of 1,613,476 alleles (0.0046%); highest among the groups gnomAD compares: Admixed American, 0.04%; no homozygotes.

Submissions (4):

PreventionGenetics, part of Exact Sciences
Classification: Uncertain significance for ACAD8-related condition. Last evaluated: 2026-03-05. Review status: criteria provided, single submitter. Criteria: ACMG Guidelines, 2015. Collection method: clinical testing. Allele origin: germline.
Comment: The ACAD8 c.481A>G variant is predicted to result in the amino acid substitution p.Thr161Ala. This variant has been reported the homozygous state in an individual with positive newborn screening for isobutyryl-CoA dehydrogenase deficiency (Sadat et al. 2020. PubMed ID: 31813752). This variant is reported in 0.13% of alleles in individuals of Ashkenazi Jewish descent in gnomAD. At this time, the clinical significance of this variant is uncertain due to the absence of conclusive functional and genetic evidence.

Labcorp Genetics (formerly Invitae), Labcorp
Classification: Uncertain significance for Deficiency of isobutyryl-CoA dehydrogenase. Last evaluated: 2025-10-26. Review status: criteria provided, single submitter. Criteria: Invitae Variant Classification Sherloc (09022015). Collection method: clinical testing. Allele origin: germline.
Comment: This sequence change replaces threonine, which is neutral and polar, with alanine, which is neutral and non-polar, at codon 161 of the ACAD8 protein (p.Thr161Ala). This variant is present in population databases (rs186756646, gnomAD 0.1%). This missense change has been observed in individual(s) with clinical features of ACAD8-related conditions (PMID: 31813752; internal data). ClinVar contains an entry for this variant (Variation ID: 95588). Invitae Evidence Modeling of protein sequence and biophysical properties (such as structural, functional, and spatial information, amino acid conservation, physicochemical variation, residue mobility, and thermodynamic stability) indicates that this missense variant is expected to disrupt ACAD8 protein function with a positive predictive value of 95%. In summary, the available evidence is currently insufficient to determine the role of this variant in disease. Therefore, it has been classified as a Variant of Uncertain Significance.

Illumina Laboratory Services, Illumina
Classification: Uncertain significance for Deficiency of isobutyryl-CoA dehydrogenase. Last evaluated: 2018-01-12. Review status: criteria provided, single submitter. Criteria: ICSL Variant Classification Criteria 13 December 2019. Collection method: clinical testing. Allele origin: germline.

Eurofins Ntd Llc (ga)
Classification: Uncertain significance. Last evaluated: 2016-03-24. Review status: criteria provided, single submitter. Criteria: EGL Classification Definitions 2015. Collection method: clinical testing. Allele origin: germline. Observed: 2 variant alleles, 1 heterozygote, 1 homozygote.

Literature cited by the submitters: PubMed 31813752 (cited by Labcorp Genetics (formerly Invitae), Labcorp).

NM_014384.3(ACAD8):c.481A>G (p.Thr161Ala)

Gene: ACAD8 (acyl-CoA dehydrogenase family member 8; plus strand). Cytogenetic location: 11q25.
Variant type: single nucleotide variant.
Coding change: c.481A>G on transcript NM_014384.3 (MANE Select); coding-DNA position 481, A replaced by G.
Protein change: p.Thr161Ala; replaces threonine 161 with alanine.
Molecular consequence: missense variant.
Genome position (GRCh38, 1-based): chr11:134,258,615, A>G. VCF-style: chr11-134258615-A-G. GRCh37 (hg19) VCF-style: chr11-134128509-A-G.
Identifiers: ClinVar variation 95588 (VCV000095588.20), dbSNP rs186756646, ClinGen allele CA223122.
Genomic context (GRCh38, chr11:134,258,615, plus strand): 5'-CAGAGGCACAAATTTTGCCCACCGCTCTGTACCATGGAGAAGTTTGCTTCCTACTGCCTC[A>G]CTGAACCAGGTGAATTTGCCACACTGCACTGAGATATAGCAGGGAGAGATGCTTCCTGCT-3'
Protein context (NP_055199.1, residues 151-171): TMEKFASYCL[Thr161Ala]EPGSGSDAAS